The following is an entry in ClinVar:

NM_032638.5(GATA2):c.710G>A (p.Gly237Asp)

Gene: GATA2 (GATA binding protein 2; minus strand). Cytogenetic location: 3q21.3.
Variant type: single nucleotide variant.
Coding change: c.710G>A on transcript NM_032638.5 (MANE Select); coding-DNA position 710, G replaced by A.
Protein change: p.Gly237Asp; replaces glycine 237 with aspartic acid.
Molecular consequence: missense variant.
Genome position (GRCh38, 1-based): chr3:128,485,888, C>T on the plus strand (G>A on the coding strand, the complement: GATA2 is on the minus strand). VCF-style: chr3-128485888-C-T. GRCh37 (hg19) VCF-style: chr3-128204731-C-T.
Other names: c.710G>A (NM_001145661.1); c.710G>A, p.Gly237Asp (NM_001145661.2, NM_001145662.1); short protein forms G237D.
Identifiers: ClinVar variation 343139 (VCV000343139.33), dbSNP rs191501191, ClinGen allele CA2599971.
Genomic context (GRCh38, chr3:128,485,888, plus strand): 5'-GCAGCCGCCGGCACATAGGAGGGGTAGGTGGGGATGGGGTGGTGTGTAGCAGGCTGGGTG[C>T]CCATAGTAGCTAGGCCTGGGCGCAGGGGACTGCCACTTTCCATCTTCATGCTCTCCGTCA-3'
Protein context (NP_116027.2, residues 227-247): SPLRPGLATM[Gly237Asp]TQPATHHPIP

ClinVar aggregate classification (germline): Benign/Likely benign. Review status: criteria provided, multiple submitters, no conflicts (2 of 4 stars). 9 submissions from 9 submitters: Benign (3); Likely benign (5). 1 of the submissions does not count toward it. Last evaluated 2026-03-23.

Conditions:
Inborn genetic diseases. Identifiers: MedGen C0950123, MeSH D030342.
Acute myeloid leukemia (AML). Also called: Leukemia, acute myelogenous, somatic; Leukemia, acute myeloid, somatic; Acute myeloid leukemia, adult; AML adult; Acute non-lymphocytic leukemia; Acute granulocytic leukemia. Identifiers: Orphanet 519, MedGen C0023467, MeSH D015470, MONDO:0018874, OMIM 601626, HP:0004808. Disease mechanism: Constitutively activated FLT3.
Deafness-lymphedema-leukemia syndrome. Also called: Emberger syndrome; Lymphedema, primary, with myelodysplasia. Identifiers: Orphanet 3226, MedGen C3279664, MONDO:0013540, OMIM 614038.
Monocytopenia with susceptibility to infections. Also called: IMMUNODEFICIENCY 21; MONOCYTOPENIA AND MYCOBACTERIAL INFECTION SYNDROME; MONOCYTOPENIA WITH SUSCEPTIBILITY TO MYCOBACTERIAL, FUNGAL, AND PAPILLOMAVIRUS INFECTIONS AND MYELODYSPLASIA; COMBINED IMMUNODEFICIENCY WITH SUSCEPTIBILITY TO MYCOBACTERIAL, VIRAL, AND FUNGAL INFECTIONS; GATA2 DEFICIENCY; Dendritic cell, monocyte, B lymphocyte, and natural killer lymphocyte deficiency. Identifiers: Orphanet 228423, MedGen C3280030, MONDO:0013607, OMIM 614172.
Myelodysplastic syndrome (MDS). Also called: Myelodysplastic syndrome, somatic; Myelodysplastic syndromes; MYELODYSPLASTIC SYNDROME, SUSCEPTIBILITY TO. Identifiers: Orphanet 52688, MedGen C3463824, MeSH D009190, MONDO:0018881, OMIM 614286.
GATA2-related disorder. Also called: GATA2-Related Disorders; GATA2-related condition.

Allele frequency attached by ClinVar (database versions not stated): ESP Exome Variant Server 0.00015; TOPMed 0.00019; 1000 Genomes Project 30x 0.00094; 1000 Genomes Project 0.00120; gnomAD exomes 0.00141 and 0.00353; ExAC 0.00229; gnomAD 0.00310 and 0.00327.
gnomAD v4.1: 2,489 of 1,614,026 alleles (0.15%); highest among the groups gnomAD compares: Non-Finnish European, 0.021%; 37 homozygotes.

Submissions (9):

Dasa
Classification: Likely benign. Last evaluated: 2026-03-23. Review status: criteria provided, single submitter. Criteria: DASA Assertion Criteria. Collection method: clinical testing. Allele origin: germline.
Comment: NM_032638.5(GATA2):c.710G>A (p.Gly237Asp) is interpreted based on available population and clinical evidence, including population frequency and no convincing observation in affected individuals. Based on the available data, this variant is classified as likely benign.

Labcorp Genetics (formerly Invitae), Labcorp
Classification: Benign for Monocytopenia with susceptibility to infections; Deafness-lymphedema-leukemia syndrome. Last evaluated: 2026-01-26. Review status: criteria provided, single submitter. Criteria: Invitae Variant Classification Sherloc (09022015). Collection method: clinical testing. Allele origin: germline.

CeGaT Center for Human Genetics Tuebingen
Classification: Benign. Last evaluated: 2025-09-01. Review status: criteria provided, single submitter. Criteria: CeGaT Center For Human Genetics Tuebingen Variant Classification Criteria Version 2. Collection method: clinical testing. Allele origin: germline. Affected: yes. Observed: 1 variant allele.
Comment: GATA2: BS1, BS2

Blueprint Genetics
Classification: Likely benign. Last evaluated: 2024-11-19. Review status: criteria provided, single submitter. Criteria: ACMG Guidelines, 2015. Collection method: clinical testing. Allele origin: germline.

Ambry Genetics
Classification: Benign for Inborn genetic diseases. Last evaluated: 2024-08-20. Review status: criteria provided, single submitter. Criteria: Ambry Variant Classification Scheme 2023. Collection method: clinical testing. Allele origin: germline.

Fulgent Genetics
Classification: Likely benign for Acute myeloid leukemia; Deafness-lymphedema-leukemia syndrome; Monocytopenia with susceptibility to infections; Myelodysplastic syndrome. Last evaluated: 2022-02-14. Review status: criteria provided, single submitter. Criteria: ACMG Guidelines, 2015. Collection method: clinical testing. Allele origin: unknown.

Illumina Laboratory Services, Illumina
Classification: Likely benign for Deafness-lymphedema-leukemia syndrome. Last evaluated: 2018-01-12. Review status: criteria provided, single submitter. Criteria: ICSL Variant Classification Criteria 13 December 2019. Collection method: clinical testing. Allele origin: germline.
Comment: This variant was observed in the ICSL laboratory as part of a predisposition screen in an ostensibly healthy population. It had not been previously curated by ICSL or reported in the Human Gene Mutation Database (HGMD: prior to June 1st, 2018), and was therefore a candidate for classification through an automated scoring system. Utilizing variant allele frequency, disease prevalence and penetrance estimates, and inheritance mode, an automated score was calculated to assess if this variant is too frequent to cause the disease. Based on the score and internal cut-off values, a variant classified as likely benign is not then subjected to further curation. The score for this variant resulted in a classification of likely benign for this disease.

Genetic Services Laboratory, University of Chicago
Classification: Likely benign. Last evaluated: 2016-03-04. Review status: criteria provided, single submitter. Criteria: ACMG Guidelines, 2015. Collection method: clinical testing. Allele origin: germline. Affected: no.

PreventionGenetics, part of Exact Sciences
Classification: Benign for GATA2-related condition. Last evaluated: 2019-05-08. Review status: no assertion criteria provided. Collection method: clinical testing. Allele origin: germline. Not counted in ClinVar's aggregate classification.
Comment: This variant is classified as benign based on ACMG/AMP sequence variant interpretation guidelines (Richards et al. 2015 PMID: 25741868, with internal and published modifications).